The following is an entry in ClinVar:

NM_002440.4(MSH4):c.540C>A (p.Asn180Lys)

Gene: MSH4 (mutS homolog 4; plus strand). Cytogenetic location: 1p31.1.
Variant type: single nucleotide variant.
Coding change: c.540C>A on transcript NM_002440.4 (MANE Select); coding-DNA position 540, C replaced by A.
Protein change: p.Asn180Lys; replaces asparagine 180 with lysine.
Molecular consequence: missense variant.
Genome position (GRCh38, 1-based): chr1:75,807,093, C>A. VCF-style: chr1-75807093-C-A. GRCh37 (hg19) VCF-style: chr1-76272778-C-A.
Other names: short protein forms N180K.
Identifiers: ClinVar variation 3211391 (VCV003211391.18), dbSNP rs144700439, ClinGen allele CA913992.

ClinVar aggregate classification (germline): Uncertain significance. Review status: criteria provided, multiple submitters, no conflicts (2 of 4 stars). 2 submissions from 2 submitters: Uncertain significance (2). Last evaluated 2024-07-01.

Conditions:
Inborn genetic diseases. Identifiers: MedGen C0950123, MeSH D030342.

Allele frequency attached by ClinVar (database versions not stated): ExAC 0.00010; gnomAD exomes 0.00010; gnomAD 0.00015; TOPMed 0.00015; ESP Exome Variant Server 0.00054.
gnomAD v4.1: 169 of 1,583,436 alleles (0.011%); highest among the groups gnomAD compares: South Asian, 0.046%; 2 homozygotes.

Submissions (2):

CeGaT Center for Human Genetics Tuebingen
Classification: Uncertain significance. Last evaluated: 2024-07-01. Review status: criteria provided, single submitter. Criteria: CeGaT Center For Human Genetics Tuebingen Variant Classification Criteria Version 2. Collection method: clinical testing. Allele origin: germline. Affected: yes. Observed: 1 variant allele.
Comment: MSH4: PM2:Supporting, BP4

Ambry Genetics
Classification: Uncertain significance for Inborn genetic diseases. Last evaluated: 2024-02-28. Review status: criteria provided, single submitter. Criteria: Ambry Variant Classification Scheme 2023. Collection method: clinical testing. Allele origin: germline.